The following is an entry in ClinVar:

NM_000273.3(GPR143):c.361-2A>G

Gene: GPR143 (G protein-coupled receptor 143; minus strand). Cytogenetic location: Xp22.2.
Variant type: single nucleotide variant.
Coding change: c.361-2A>G on transcript NM_000273.3 (MANE Select); the canonical splice acceptor site of the intron before coding-DNA position 361, A replaced by G.
Molecular consequence: splice acceptor variant.
Genome position (GRCh38, 1-based): chrX:9,759,428, T>C on the plus strand (A>G on the coding strand, the complement: GPR143 is on the minus strand). VCF-style: chrX-9759428-T-C. GRCh37 (hg19) VCF-style: chrX-9727468-T-C.
Identifiers: ClinVar variation 3767241 (VCV003767241.1).

ClinVar aggregate classification (germline): Likely pathogenic (1 of 4 stars; one submission).

Conditions:
Ocular albinism. Identifiers: Orphanet 284804, MedGen C0078917, MeSH D016117, MONDO:0017304, HP:0001107.

Submission:

Clinical Genetics Laboratory, Skane University Hospital Lund
Classification: Likely pathogenic for Ocular albinism. Last evaluated: 2024-05-31. Review status: criteria provided, single submitter. Criteria: ACMG Guidelines, 2015. Collection method: clinical testing. Allele origin: germline. Affected: yes.
Comment: PVS1, PM2